The following is an entry in ClinVar:

NM_000814.6(GABRB3):c.415C>T (p.Arg139Cys)

Gene: GABRB3 (gamma-aminobutyric acid type A receptor subunit beta3; minus strand). Cytogenetic location: 15q12.
Variant type: single nucleotide variant.
Coding change: c.415C>T on transcript NM_000814.6 (MANE Select); coding-DNA position 415, C replaced by T.
Protein change: p.Arg139Cys; replaces arginine 139 with cysteine.
Molecular consequence: missense variant. On other transcripts: non-coding transcript variant (1).
Genome position (GRCh38, 1-based): chr15:26,621,360, G>A on the plus strand (C>T on the coding strand, the complement: GABRB3 is on the minus strand). VCF-style: chr15-26621360-G-A. GRCh37 (hg19) VCF-style: chr15-26866507-G-A.
Other names: c.202C>T, p.Arg68Cys (NM_001191321.3); c.160C>T, p.Arg54Cys (NM_001278631.2, NM_001191320.2); c.415C>T, p.Arg139Cys (NM_021912.5); short protein forms R139C, R54C, R68C.
Identifiers: ClinVar variation 3754026 (VCV003754026.2).
Genomic context (GRCh38, chr15:26,621,360, plus strand): 5'-AGAGGCACACAGACCTGAGCCCATACAGCACTGTCCCATCAGGGTGAAGACGGATCATGC[G>A]GTTTTTCACTGTCACTCCATGCACAAATGACTTTTTGTCATTTAAGAAATATGTGTCGGG-3'
Protein context (NP_000805.1, residues 129-149): SFVHGVTVKN[Arg139Cys]MIRLHPDGTV

ClinVar aggregate classification (germline): Uncertain significance (1 of 4 stars; one submission).

Conditions:
Epilepsy, childhood absence, susceptibility to, 1. Also called: Epilepsy, childhood absence 1. Identifiers: Orphanet 64280, MedGen C1838604, MONDO:0020759, OMIM 600131.
Epilepsy, childhood absence, susceptibility to, 5. Identifiers: Orphanet 64280, MedGen C2677087, MONDO:0012843, OMIM 612269.

gnomAD v4.1: 7 of 1,614,024 alleles (0.00043%); highest among the groups gnomAD compares: South Asian, 0.0011%; no homozygotes.

Submission:

Labcorp Genetics (formerly Invitae), Labcorp
Classification: Uncertain significance for Epilepsy, childhood absence, susceptibility to, 5; Epilepsy, childhood absence, susceptibility to, 1. Last evaluated: 2024-10-16. Review status: criteria provided, single submitter. Criteria: Invitae Variant Classification Sherloc (09022015). Collection method: clinical testing. Allele origin: germline.
Comment: This sequence change replaces arginine, which is basic and polar, with cysteine, which is neutral and slightly polar, at codon 139 of the GABRB3 protein (p.Arg139Cys). This variant is present in population databases (rs767913731, gnomAD 0.0009%). This variant has not been reported in the literature in individuals affected with GABRB3-related conditions. Invitae Evidence Modeling of protein sequence and biophysical properties (such as structural, functional, and spatial information, amino acid conservation, physicochemical variation, residue mobility, and thermodynamic stability) indicates that this missense variant is expected to disrupt GABRB3 protein function with a positive predictive value of 95%. In summary, the available evidence is currently insufficient to determine the role of this variant in disease. Therefore, it has been classified as a Variant of Uncertain Significance.